The following is an entry in ClinVar:

NM_001290043.2(TAP2):c.1735G>A (p.Ala579Thr)

Gene: TAP2 (transporter 2, ATP binding cassette subfamily B member; minus strand). Cytogenetic location: 6p21.32.
Variant type: single nucleotide variant.
Coding change: c.1735G>A on transcript NM_001290043.2 (MANE Select); coding-DNA position 1735, G replaced by A.
Protein change: p.Ala579Thr; replaces alanine 579 with threonine.
Molecular consequence: missense variant.
Genome position (GRCh38, 1-based): chr6:32,829,990, C>T on the plus strand (G>A on the coding strand, the complement: TAP2 is on the minus strand). VCF-style: chr6-32829990-C-T. GRCh37 (hg19) VCF-style: chr6-32797767-C-T.
Other names: c.1735G>A, p.Ala579Thr (NM_000544.3, NM_018833.3); short protein forms A579T.
Identifiers: ClinVar variation 2153220 (VCV002153220.4), dbSNP rs758318646, ClinGen allele CA3745814.

ClinVar aggregate classification (germline): Uncertain significance (1 of 4 stars; one submission).

Conditions:
MHC class I deficiency. Identifiers: Orphanet 34592, MedGen C6024714, MONDO:0011476.

Allele frequency attached by ClinVar (database versions not stated): ExAC 0.00001; gnomAD 0.00001; gnomAD exomes 0.00001.
gnomAD v4.1: 8 of 1,612,992 alleles (0.0005%); highest among the groups gnomAD compares: Admixed American, 0.0017%; no homozygotes.

Submission:

Labcorp Genetics (formerly Invitae), Labcorp
Classification: Uncertain significance for MHC class I deficiency 1. Last evaluated: 2024-08-19. Review status: criteria provided, single submitter. Criteria: Invitae Variant Classification Sherloc (09022015). Collection method: clinical testing. Allele origin: germline.
Comment: This sequence change replaces alanine, which is neutral and non-polar, with threonine, which is neutral and polar, at codon 579 of the TAP2 protein (p.Ala579Thr). This variant is present in population databases (rs758318646, gnomAD 0.003%). This variant has not been reported in the literature in individuals affected with TAP2-related conditions. ClinVar contains an entry for this variant (Variation ID: 2153220). Experimental studies and prediction algorithms are not available or were not evaluated, and the functional significance of this variant is currently unknown. In summary, the available evidence is currently insufficient to determine the role of this variant in disease. Therefore, it has been classified as a Variant of Uncertain Significance.